The following is an entry in ClinVar:

NM_001166108.2(PALLD):c.1965-12761_1965-12756del

Gene: PALLD (palladin, cytoskeletal associated protein; plus strand). Cytogenetic location: 4q32.3.
Variant type: Microsatellite.
Coding change: c.1965-12761_1965-12756del on transcript NM_001166108.2 (MANE Select); 12761 bases into the intron before coding-DNA position 1965 through 12756 bases into the intron before coding-DNA position 1965, 6 bases deleted (CCCGCC; older notation c.1965-12761_1965-12756delCCCGCC).
Molecular consequence: intron variant. On other transcripts: inframe deletion (1).
Genome position (GRCh38, 1-based): chr4:168,878,161-168,878,166, CCCGCC deleted; deleting any 6 consecutive bases within chr4:168,878,151-168,878,166 gives the same sequence; the c. name uses the placement nearest the transcript's 3' end. VCF-style (leftmost placement, unchanged base first): chr4-168878150-TCGCCCC-T. GRCh37 (hg19) VCF-style: chr4-169799301-TCGCCCC-T.
Other names: c.264CCCGCC[1], p.Pro93_Pro94del (NM_001166110.2); c.1965-12761_1965-12756del (NM_016081.4); c.819-12761_819-12756del (NM_001166109.2); c.-157-12761_-157-12756del (NM_001367570.1, NM_001367568.1, NM_001367567.1 and 1 more transcripts); c.260_265delCGCCCC (NM_001166110.1).
Identifiers: ClinVar variation 476387 (VCV000476387.10), dbSNP rs730882137, ClinGen allele CA333818.

ClinVar aggregate classification (germline): Uncertain significance. Review status: criteria provided, multiple submitters, no conflicts (2 of 4 stars). 2 submissions from 2 submitters: Uncertain significance (2). Last evaluated 2025-06-27.

Conditions:
Pancreatic adenocarcinoma. Identifiers: MedGen C0281361, MONDO:0006047, HP:0006725.

Submissions (2):

Labcorp Genetics (formerly Invitae), Labcorp
Classification: Uncertain significance for Pancreatic adenocarcinoma. Last evaluated: 2025-06-27. Review status: criteria provided, single submitter. Criteria: Invitae Variant Classification Sherloc (09022015). Collection method: clinical testing. Allele origin: germline.
Comment: This variant, c.270_275del, results in the deletion of 2 amino acid(s) of the PALLD protein (p.Pro93_Pro94del), but otherwise preserves the integrity of the reading frame. The frequency data for this variant in the population databases is considered unreliable, as metrics indicate poor data quality at this position in the gnomAD database. This variant has not been reported in the literature in individuals affected with PALLD-related conditions. Experimental studies and prediction algorithms are not available or were not evaluated, and the functional significance of this variant is currently unknown. In summary, the available evidence is currently insufficient to determine the role of this variant in disease. Therefore, it has been classified as a Variant of Uncertain Significance.

Ambry Genetics
Classification: Uncertain significance. Last evaluated: 2025-01-24. Review status: criteria provided, single submitter. Criteria: Ambry Variant Classification Scheme 2023. Collection method: clinical testing. Allele origin: germline.
Comment: The c.270_275delCCCGCC variant (also known as p.P93_P94del) is located in coding exon 1 of the PALLD gene. This variant results from an in-frame CCCGCC deletion at nucleotide positions 270 to 275. This results in the in-frame deletion of 2 amino acids at codons 93 and 94. In addition, the in silico prediction for this alteration is inconclusive (Choi Y et al. PLoS ONE. 2012; 7(10):e46688). The evidence for this gene-disease relationship is limited; therefore, the clinical significance of this alteration is unclear.